The following is an entry in ClinVar:

NM_000165.5(GJA1):c.711G>C (p.Lys237Asn)

Gene: GJA1 (gap junction protein alpha 1; plus strand). Cytogenetic location: 6q22.31.
Variant type: single nucleotide variant.
Coding change: c.711G>C on transcript NM_000165.5 (MANE Select); coding-DNA position 711, G replaced by C.
Protein change: p.Lys237Asn; replaces lysine 237 with asparagine.
Molecular consequence: missense variant.
Genome position (GRCh38, 1-based): chr6:121,447,558, G>C. VCF-style: chr6-121447558-G-C. GRCh37 (hg19) VCF-style: chr6-121768704-G-C.
Other names: short protein forms K237N.
Identifiers: ClinVar variation 2833020 (VCV002833020.3), dbSNP rs2536822379, ClinGen allele CA365559624.

ClinVar aggregate classification (germline): Uncertain significance (1 of 4 stars; one submission).

Conditions:
Oculodentodigital dysplasia, autosomal recessive. Also called: OCULODENTOOSSEOUS DYSPLASIA, AUTOSOMAL RECESSIVE; ODDD, AUTOSOMAL RECESSIVE; ODOD, AUTOSOMAL RECESSIVE. Identifiers: Orphanet 2710, MedGen C2749477, MONDO:0009768, OMIM 257850.

Submission:

Labcorp Genetics (formerly Invitae), Labcorp
Classification: Uncertain significance for Oculodentodigital dysplasia, autosomal recessive. Last evaluated: 2023-02-03. Review status: criteria provided, single submitter. Criteria: Invitae Variant Classification Sherloc (09022015). Collection method: clinical testing. Allele origin: germline.
Comment: In summary, the available evidence is currently insufficient to determine the role of this variant in disease. Therefore, it has been classified as a Variant of Uncertain Significance. Advanced modeling of protein sequence and biophysical properties (such as structural, functional, and spatial information, amino acid conservation, physicochemical variation, residue mobility, and thermodynamic stability) has been performed at Invitae for this missense variant, however the output from this modeling did not meet the statistical confidence thresholds required to predict the impact of this variant on GJA1 protein function. This variant has not been reported in the literature in individuals affected with GJA1-related conditions. This variant is not present in population databases (gnomAD no frequency). This sequence change replaces lysine, which is basic and polar, with asparagine, which is neutral and polar, at codon 237 of the GJA1 protein (p.Lys237Asn).